The following is an entry in ClinVar:

NM_003106.4(SOX2):c.905del (p.Pro302fs)

Genes: SOX2 (SRY-box transcription factor 2; plus strand), SOX2-OT (SOX2 overlapping transcript; plus strand). Cytogenetic location: 3q26.33.
Variant type: Deletion.
Coding change: c.905del on transcript NM_003106.4 (MANE Select); coding-DNA position 905, one base deleted (C; older notation c.905delC).
Protein change: p.Pro302fs; shifts the reading frame from proline 302.
Molecular consequence: frameshift variant.
Genome position (GRCh38, 1-based): chr3:181,713,265, C deleted; the last of 3 consecutive C bases (chr3:181,713,263-181,713,265); deleting any one gives the same sequence. VCF-style (leftmost placement, unchanged base first): chr3-181713262-GC-G. GRCh37 (hg19) VCF-style: chr3-181431050-GC-G.
Other names: short protein forms P302fs.
Identifiers: ClinVar variation 1695088 (VCV001695088.31), dbSNP rs2108523802, ClinGen allele CA2580069118.

ClinVar aggregate classification (germline): Pathogenic (1 of 4 stars; one submission).

Submission:

CeGaT Center for Human Genetics Tuebingen
Classification: Pathogenic. Last evaluated: 2022-05-01. Review status: criteria provided, single submitter. Criteria: CeGaT Center For Human Genetics Tuebingen Variant Classification Criteria Version 2. Collection method: clinical testing. Allele origin: germline. Affected: yes. Observed: 1 variant allele.
Comment: SOX2: PS2, PVS1:Strong, PM2